The following is an entry in ClinVar:

NM_000186.4(CFH):c.1556C>T (p.Thr519Ile)

Gene: CFH (complement factor H; plus strand). Cytogenetic location: 1q31.3.
Variant type: single nucleotide variant.
Coding change: c.1556C>T on transcript NM_000186.4 (MANE Select); coding-DNA position 1556, C replaced by T.
Protein change: p.Thr519Ile; replaces threonine 519 with isoleucine.
Molecular consequence: missense variant.
Genome position (GRCh38, 1-based): chr1:196,715,629, C>T. VCF-style: chr1-196715629-C-T. GRCh37 (hg19) VCF-style: chr1-196684759-C-T.
Other names: short protein forms T519I.
Identifiers: ClinVar variation 3701469 (VCV003701469.2).

ClinVar aggregate classification (germline): Uncertain significance (1 of 4 stars; one submission).

gnomAD v4.1: 3 of 1,612,588 alleles (0.00019%); highest among the groups gnomAD compares: Admixed American, 0.005%; no homozygotes.

Submission:

Labcorp Genetics (formerly Invitae), Labcorp
Classification: Uncertain significance. Last evaluated: 2025-11-18. Review status: criteria provided, single submitter. Criteria: Invitae Variant Classification Sherloc (09022015). Collection method: clinical testing. Allele origin: germline.
Comment: This sequence change replaces threonine, which is neutral and polar, with isoleucine, which is neutral and non-polar, at codon 519 of the CFH protein (p.Thr519Ile). This variant is present in population databases (rs765812104, gnomAD 0.009%). This variant has not been reported in the literature in individuals affected with CFH-related conditions. ClinVar contains an entry for this variant (Variation ID: 3701469). An algorithm developed to predict the effect of missense changes on protein structure and function outputs the following: PolyPhen-2: "Benign". The isoleucine amino acid residue is found in multiple mammalian species, which suggests that this missense change does not adversely affect protein function. In summary, the available evidence is currently insufficient to determine the role of this variant in disease. Therefore, it has been classified as a Variant of Uncertain Significance.